The following is an entry in ClinVar:

ClinVar aggregate classification (germline): Uncertain significance (1 of 4 stars; one submission).

Conditions:
Facioscapulohumeral muscular dystrophy 2 (FSHD2). Also called: MUSCULAR DYSTROPHY, FACIOSCAPULOHUMERAL, TYPE 1B; FACIOSCAPULOHUMERAL MUSCULAR DYSTROPHY 2, DIGENIC; FSHD2, DIGENIC. Identifiers: Orphanet 269, MedGen C1834671, MONDO:0008031, OMIM 158901.

Submission:

Labcorp Genetics (formerly Invitae), Labcorp
Classification: Uncertain significance for Facioscapulohumeral muscular dystrophy 2. Last evaluated: 2022-02-28. Review status: criteria provided, single submitter. Criteria: Invitae Variant Classification Sherloc (09022015). Collection method: clinical testing. Allele origin: germline.
Comment: In summary, the available evidence is currently insufficient to determine the role of this variant in disease. Therefore, it has been classified as a Variant of Uncertain Significance. Algorithms developed to predict the effect of missense changes on protein structure and function (SIFT, PolyPhen-2, Align-GVGD) all suggest that this variant is likely to be tolerated. This variant has not been reported in the literature in individuals affected with SMCHD1-related conditions. This variant is not present in population databases (gnomAD no frequency). This sequence change replaces methionine, which is neutral and non-polar, with threonine, which is neutral and polar, at codon 1360 of the SMCHD1 protein (p.Met1360Thr).

NM_015295.3(SMCHD1):c.4079T>C (p.Met1360Thr)

Gene: SMCHD1 (structural maintenance of chromosomes flexible hinge domain containing 1; plus strand). Cytogenetic location: 18p11.32.
Variant type: single nucleotide variant.
Coding change: c.4079T>C on transcript NM_015295.3 (MANE Select); coding-DNA position 4079, T replaced by C.
Protein change: p.Met1360Thr; replaces methionine 1360 with threonine.
Molecular consequence: missense variant.
Genome position (GRCh38, 1-based): chr18:2,750,421, T>C. VCF-style: chr18-2750421-T-C. GRCh37 (hg19) VCF-style: chr18-2750419-T-C.
Other names: short protein forms M1360T.
Identifiers: ClinVar variation 2101908 (VCV002101908.4), dbSNP rs2075549029, ClinGen allele CA401692044.